The following is an entry in ClinVar:

NM_000466.3(PEX1):c.3637-8dup

Genes: GATAD1 (GATA zinc finger domain containing 1; plus strand), PEX1 (peroxisomal biogenesis factor 1; minus strand). Cytogenetic location: 7q21.2.
Variant type: Duplication.
Coding change: c.3637-8dup on transcript NM_000466.3 (MANE Select); 8 bases into the intron before coding-DNA position 3637, one base duplicated (T; older notation c.3637-8dupT).
Molecular consequence: intron variant.
Genome position (GRCh38, 1-based): chr7:92,489,431, A duplicated on the plus strand (T on the coding strand, the reverse complement: PEX1 is on the minus strand); the first of 7 consecutive A bases (chr7:92,489,431-92,489,437); duplicating any one gives the same sequence. VCF-style (leftmost placement, unchanged base first): chr7-92489430-T-TA. GRCh37 (hg19) VCF-style: chr7-92118744-T-TA.
Other names: c.3466-8dup (NM_001282677.2); c.3013-8dup (NM_001282678.2); c.3637-8dupT (NM_000466.2).
Identifiers: ClinVar variation 1625899 (VCV001625899.11), dbSNP rs775743560, ClinGen allele CA4340766.
Genomic context (GRCh38, chr7:92,489,430, plus strand): 5'-ACTAATAGCCAGTCTGGTTTTGATTGGTCCTGGTTGGTTCATGGATTCGTCCTCCTTAAG[T>TA]AAAAAAAGAAATTGACGAAGAGTTAAATTAAGGATGTAAAAAAAAATGTGGTAGTCCAGT-3'

ClinVar aggregate classification (germline): Benign/Likely benign. Review status: criteria provided, multiple submitters, no conflicts (2 of 4 stars). 3 submissions from 3 submitters: Benign (1); Likely benign (1). 1 of the submissions does not count toward it. Last evaluated 2025-05-16.

Conditions:
Zellweger spectrum disorders (ZS). Also called: Zellweger Spectrum Disorder (ZSD); Zellweger Spectrum Disorder; Zellweger Spectrum; Zellweger syndrome. Identifiers: Orphanet 912, MedGen C0043459, MONDO:0019609.
PEX1-related disorder. Also called: PEX1-related condition.

Submissions (3):

Labcorp Genetics (formerly Invitae), Labcorp
Classification: Benign for Zellweger spectrum disorders. Last evaluated: 2025-05-16. Review status: criteria provided, single submitter. Criteria: Invitae Variant Classification Sherloc (09022015). Collection method: clinical testing. Allele origin: germline.

Blueprint Genetics
Classification: Likely benign. Last evaluated: 2024-11-19. Review status: criteria provided, single submitter. Criteria: ACMG Guidelines, 2015. Collection method: clinical testing. Allele origin: germline.

PreventionGenetics, part of Exact Sciences
Classification: Likely benign for PEX1-related condition. Last evaluated: 2023-03-22. Review status: no assertion criteria provided. Collection method: clinical testing. Allele origin: germline. Not counted in ClinVar's aggregate classification.
Comment: This variant is classified as likely benign based on ACMG/AMP sequence variant interpretation guidelines (Richards et al. 2015 PMID: 25741868, with internal and published modifications).